The following is an entry in ClinVar:

ClinVar aggregate classification (germline): Uncertain significance. Review status: criteria provided, multiple submitters, no conflicts (2 of 4 stars). 3 submissions from 3 submitters: Uncertain significance (3). Last evaluated 2025-08-01.

Allele frequency attached by ClinVar (database versions not stated): ExAC 0.00004.

Submissions (3):

Labcorp Genetics (formerly Invitae), Labcorp
Classification: Uncertain significance. Last evaluated: 2025-08-01. Review status: criteria provided, single submitter. Criteria: Invitae Variant Classification Sherloc (09022015). Collection method: clinical testing. Allele origin: germline.
Comment: This sequence change replaces proline, which is neutral and non-polar, with leucine, which is neutral and non-polar, at codon 1108 of the KMT2B protein (p.Pro1108Leu). This variant is present in population databases (rs754957565, gnomAD 0.004%). This variant has not been reported in the literature in individuals affected with KMT2B-related conditions. ClinVar contains an entry for this variant (Variation ID: 1305640). Invitae Evidence Modeling of protein sequence and biophysical properties (such as structural, functional, and spatial information, amino acid conservation, physicochemical variation, residue mobility, and thermodynamic stability) has been performed for this missense variant. However, the output from this modeling did not meet the statistical confidence thresholds required to predict the impact of this variant on KMT2B protein function. In summary, the available evidence is currently insufficient to determine the role of this variant in disease. Therefore, it has been classified as a Variant of Uncertain Significance.

Women's Health and Genetics/Laboratory Corporation of America, LabCorp
Classification: Uncertain significance. Last evaluated: 2023-11-06. Review status: criteria provided, single submitter. Criteria: LabCorp Variant Classification Summary - May 2015. Collection method: clinical testing. Allele origin: germline.
Comment: Variant summary: KMT2B c.3323C>T (p.Pro1108Leu) results in a non-conservative amino acid change in the encoded protein sequence. Four of five in-silico tools predict a damaging effect of the variant on protein function. The variant allele was found at a frequency of 2.2e-05 in 224338 control chromosomes (gnomAD). The available data on variant occurrences in the general population are insufficient to allow any conclusion about variant significance. To our knowledge, no occurrence of c.3323C>T in individuals affected with Dystonia 28, Childhood-Onset and no experimental evidence demonstrating its impact on protein function have been reported. Two submitters have cited clinical-significance assessments for this variant to ClinVar after 2014. All submitters classified the variant as uncertain significance. Based on the evidence outlined above, the variant was classified as uncertain significance.

GeneDx
Classification: Uncertain significance. Last evaluated: 2020-01-02. Review status: criteria provided, single submitter. Criteria: GeneDx Variant Classification Process June 2021. Collection method: clinical testing. Allele origin: germline. Affected: yes.
Comment: Not observed at a significant frequency in large population cohorts (Lek et al., 2016); In silico analysis, which includes protein predictors and evolutionary conservation, supports a deleterious effect; Has not been previously published as pathogenic or benign to our knowledge

NM_014727.3(KMT2B):c.3323C>T (p.Pro1108Leu)

Gene: KMT2B (lysine methyltransferase 2B; plus strand). Cytogenetic location: 19q13.12.
Variant type: single nucleotide variant.
Coding change: c.3323C>T on transcript NM_014727.3 (MANE Select); coding-DNA position 3323, C replaced by T.
Protein change: p.Pro1108Leu; replaces proline 1108 with leucine.
Molecular consequence: missense variant.
Genome position (GRCh38, 1-based): chr19:35,723,996, C>T. VCF-style: chr19-35723996-C-T. GRCh37 (hg19) VCF-style: chr19-36214897-C-T.
Other names: short protein forms P1108L.
Identifiers: ClinVar variation 1305640 (VCV001305640.6), dbSNP rs754957565, ClinGen allele CA9384705.